The following is an entry in ClinVar:

ClinVar aggregate classification (germline): Uncertain significance (1 of 4 stars; one submission).

Conditions:
Gnathodiaphyseal dysplasia (GDD). Also called: GNATHODIAPHYSEAL SCLEROSIS; OSTEOGENESIS IMPERFECTA WITH UNUSUAL SKELETAL LESIONS. Identifiers: Orphanet 53697, MedGen C1833736, MONDO:0008151, OMIM 166260.
Autosomal recessive limb-girdle muscular dystrophy type 2L (LGMDR12). Also called: MUSCULAR DYSTROPHY, LIMB-GIRDLE, AUTOSOMAL RECESSIVE 12; Limb-girdle muscular dystrophy, type 2L; Limb-Girdle Muscular Dystrophy R12 Anoctamin-5-Related (LGMD-R12). Identifiers: Orphanet 206549, MedGen C1969785, MONDO:0012652, OMIM 611307.

gnomAD v4.1: 1 of 1,611,794 alleles (0.000062%); highest among the groups gnomAD compares: Non-Finnish European, 0.000085%; no homozygotes.

Submission:

Labcorp Genetics (formerly Invitae), Labcorp
Classification: Uncertain significance for Autosomal recessive limb-girdle muscular dystrophy type 2L; Gnathodiaphyseal dysplasia. Last evaluated: 2023-11-04. Review status: criteria provided, single submitter. Criteria: Invitae Variant Classification Sherloc (09022015). Collection method: clinical testing. Allele origin: germline.
Comment: This sequence change falls in intron 2 of the ANO5 gene. It does not directly change the encoded amino acid sequence of the ANO5 protein. This variant is not present in population databases (gnomAD no frequency). This variant has not been reported in the literature in individuals affected with ANO5-related conditions. Algorithms developed to predict the effect of sequence changes on RNA splicing suggest that this variant may create or strengthen a splice site. In summary, the available evidence is currently insufficient to determine the role of this variant in disease. Therefore, it has been classified as a Variant of Uncertain Significance.

NM_213599.3(ANO5):c.88-8A>T

Gene: ANO5 (anoctamin 5; plus strand). Cytogenetic location: 11p14.3.
Variant type: single nucleotide variant.
Coding change: c.88-8A>T on transcript NM_213599.3 (MANE Select); 8 bases into the intron before coding-DNA position 88, A replaced by T.
Molecular consequence: intron variant.
Genome position (GRCh38, 1-based): chr11:22,211,256, A>T. VCF-style: chr11-22211256-A-T. GRCh37 (hg19) VCF-style: chr11-22232802-A-T.
Other names: c.88-8A>T (NM_001410963.1); c.88-11A>T (NM_001142649.2, NM_001410964.1).
Identifiers: ClinVar variation 2951229 (VCV002951229.3), dbSNP rs1306192601, ClinGen allele CA1957390664.